The following is an entry in ClinVar:

ClinVar aggregate classification (germline): Pathogenic (1 of 4 stars; one submission).

Conditions:
Prader-Willi syndrome (PWS). Identifiers: Orphanet 739, MedGen C0032897, MONDO:0008300, OMIM 176270. Disease mechanism: loss of function, Microdeletion. Inheritance: Microdletion.

Submission:

Chaochun Lab, Department of Endocrinology, Children's Hospital, Zhejiang University School Of Medicine
Classification: Pathogenic for Prader-Willi syndrome. Last evaluated: 2026-07-01. Review status: criteria provided, single submitter. Criteria: ACMG Guidelines, 2015. Collection method: provider interpretation. Allele origin: germline. Inheritance: Autosomal recessive inheritance. Affected: yes. Observed: 1 variant allele, 1 compound heterozygote.
Comment: The breakpoints were estimated by chromosomal microarray analysis (CMA) and confirmed by MLPA. No sequencing was performed to refine the breakpoints. This variant is classified as Pathogenic based on ACMG/AMP 2015 guidelines. Evidence used: PVS1 (null variant in a gene where loss-of-function is a known mechanism of disease), PM2 (absent from population databases), PP4 (patient's phenotype is highly specific for Prader-Willi syndrome).

NM_003097.6(SNRPN):c.-295+2078_-144+239del

Genes: SNHG14 (small nucleolar RNA host gene 14; plus strand), SNRPN (small nuclear ribonucleoprotein polypeptide N; plus strand), SNURF (SNRPN upstream open reading frame; plus strand). Cytogenetic location: 15q11.2.
Variant type: Deletion.
Coding change: c.-295+2078_-144+239del on transcript NM_003097.6 (MANE Select); 2078 bases into the intron after 295 bases upstream of the start codon through 239 bases into the intron after 144 bases upstream of the start codon, 4,035 bases deleted.
Molecular consequence: splice acceptor variant, splice donor variant. On other transcripts: intron variant (8).
Genome position (GRCh38, 1-based): chr15:24,964,287-24,968,321, 4,035 bases deleted. GRCh37 (hg19): chr15:25,209,434-25,213,468.
Other names: c.-317-3645_-167+239del (NM_001400697.1); c.-295+2078_-144+239del (NM_001400743.1, NM_001400688.1, NM_001400687.1 and 79 more transcripts); c.-144+2078_-143-5990del (NM_001349454.2, NM_001400634.1, NM_001400756.1 and 3 more transcripts); c.-295+2065_-144+239del (NM_001400729.1); c.-723+2078_-448+239del (NM_001378254.1); c.-419+2078_-144+239del (NM_001349463.2, NM_001400696.1); c.-488+2078_-337+239del (NM_001400725.1); c.-465+2078_-314+239del (NM_001378249.1); and 12 more.
Identifiers: ClinVar variation 4880181 (VCV004880181.1).